The following is an entry in ClinVar:

ClinVar aggregate classification (germline): Uncertain significance. Review status: criteria provided, multiple submitters, no conflicts (2 of 4 stars). 2 submissions from 2 submitters: Uncertain significance (2). Last evaluated 2021-09-02.

Conditions:
Familial thoracic aortic aneurysm and aortic dissection (TAAD). Also called: Thoracic aortic aneurysms and dissections. Identifiers: Orphanet 91387, MedGen C4707243, MONDO:0019625.
Arterial tortuosity syndrome (ATORS). Identifiers: Orphanet 3342, MedGen C1859726, MONDO:0008818, OMIM 208050.

Allele frequency attached by ClinVar (database versions not stated): gnomAD 0.00001; TOPMed 0.00001; gnomAD exomes 0.00003 and 0.00007; ESP Exome Variant Server 0.00008; ExAC 0.00012.
gnomAD v4.1: 24 of 1,614,006 alleles (0.0015%); highest among the groups gnomAD compares: Non-Finnish European, 0.00025%; no homozygotes.

Submissions (2):

Labcorp Genetics (formerly Invitae), Labcorp
Classification: Uncertain significance for Arterial tortuosity syndrome. Last evaluated: 2021-09-02. Review status: criteria provided, single submitter. Criteria: Invitae Variant Classification Sherloc (09022015). Collection method: clinical testing. Allele origin: germline.
Comment: This sequence change replaces leucine with phenylalanine at codon 201 of the SLC2A10 protein (p.Leu201Phe). The leucine residue is highly conserved and there is a small physicochemical difference between leucine and phenylalanine. This variant is present in population databases (rs199861432, ExAC 0.03%). This variant has not been reported in the literature in individuals affected with SLC2A10-related conditions. Algorithms developed to predict the effect of missense changes on protein structure and function are either unavailable or do not agree on the potential impact of this missense change (SIFT: "Deleterious"; PolyPhen-2: "Probably Damaging"; Align-GVGD: "Class C0"). In summary, the available evidence is currently insufficient to determine the role of this variant in disease. Therefore, it has been classified as a Variant of Uncertain Significance.

Ambry Genetics
Classification: Uncertain significance for Familial thoracic aortic aneurysm and aortic dissection. Last evaluated: 2020-11-18. Review status: criteria provided, single submitter. Criteria: Ambry Variant Classification Scheme 2023. Collection method: clinical testing. Allele origin: germline.
Comment: The p.L201F variant (also known as c.601C>T), located in coding exon 2 of the SLC2A10 gene, results from a C to T substitution at nucleotide position 601. The leucine at codon 201 is replaced by phenylalanine, an amino acid with highly similar properties. This amino acid position is well conserved in available vertebrate species. In addition, the in silico prediction for this alteration is inconclusive. Since supporting evidence is limited at this time, the clinical significance of this alteration remains unclear.

NM_030777.4(SLC2A10):c.601C>T (p.Leu201Phe)

Gene: SLC2A10 (solute carrier family 2 member 10; plus strand). Cytogenetic location: 20q13.12.
Variant type: single nucleotide variant.
Coding change: c.601C>T on transcript NM_030777.4 (MANE Select); coding-DNA position 601, C replaced by T.
Protein change: p.Leu201Phe; replaces leucine 201 with phenylalanine.
Molecular consequence: missense variant.
Genome position (GRCh38, 1-based): chr20:46,725,637, C>T. VCF-style: chr20-46725637-C-T. GRCh37 (hg19) VCF-style: chr20-45354276-C-T.
Other names: short protein forms L201F.
Identifiers: ClinVar variation 580420 (VCV000580420.8), dbSNP rs199861432, ClinGen allele CA9892006.